The following is an entry in ClinVar:

ClinVar aggregate classification (germline): Uncertain significance (1 of 4 stars; one submission).

Conditions:
Hereditary cancer-predisposing syndrome. Also called: Tumor predisposition; Neoplastic Syndromes, Hereditary; Hereditary neoplastic syndrome; Hereditary Cancer Syndrome. Identifiers: Orphanet 140162, MedGen C0027672, MeSH D009386, MONDO:0015356.

Submission:

Ambry Genetics
Classification: Uncertain significance for Hereditary cancer-predisposing syndrome. Last evaluated: 2025-08-20. Review status: criteria provided, single submitter. Criteria: Ambry Variant Classification Scheme 2023. Collection method: clinical testing. Allele origin: germline.
Comment: The p.L269V variant (also known as c.805C>G), located in coding exon 10 of the MUTYH gene, results from a C to G substitution at nucleotide position 805. The leucine at codon 269 is replaced by valine, an amino acid with highly similar properties. This amino acid position is conserved. In addition, this alteration is predicted to be deleterious by in silico analysis. Based on the available evidence, the clinical significance of this variant remains unclear.

NM_001048174.2(MUTYH):c.721C>G (p.Leu241Val)

Gene: MUTYH (mutY DNA glycosylase; minus strand). Cytogenetic location: 1p34.1.
Variant type: single nucleotide variant.
Coding change: c.721C>G on transcript NM_001048174.2 (MANE Select); coding-DNA position 721, C replaced by G.
Protein change: p.Leu241Val; replaces leucine 241 with valine.
Molecular consequence: missense variant. On other transcripts: non-coding transcript variant (7).
Genome position (GRCh38, 1-based): chr1:45,332,294, G>C on the plus strand (C>G on the coding strand, the complement: MUTYH is on the minus strand). VCF-style: chr1-45332294-G-C. GRCh37 (hg19) VCF-style: chr1-45797966-G-C.
Other names: c.721C>G, p.Leu241Val (NM_001048171.2, NM_001048173.2, NM_001407081.1 and 6 more transcripts); c.724C>G, p.Leu242Val (NM_001048172.2, NM_001407078.1, NM_001407086.1 and 1 more transcripts); c.805C>G, p.Leu269Val (NM_001128425.2); c.766C>G, p.Leu256Val (NM_001293190.2); c.754C>G, p.Leu252Val (NM_001293191.2, NM_001407077.1, NM_001407069.1); c.445C>G, p.Leu149Val (NM_001293192.2, NM_001407091.1, NM_001293196.2); c.682C>G, p.Leu228Val (NM_001407079.1); c.679C>G, p.Leu227Val (NM_001407080.1); and 5 more; short protein forms L149V, L242V, L255V, L126V, L213V, L241V, L248V, L227V.
Identifiers: ClinVar variation 4112903 (VCV004112903.1).